The following is an entry in ClinVar:

ClinVar aggregate classification (germline): Uncertain significance (1 of 4 stars; one submission).

Allele frequency attached by ClinVar (database versions not stated): gnomAD exomes below 0.00001.

Submission:

Labcorp Genetics (formerly Invitae), Labcorp
Classification: Uncertain significance. Last evaluated: 2022-03-19. Review status: criteria provided, single submitter. Criteria: Invitae Variant Classification Sherloc (09022015). Collection method: clinical testing. Allele origin: germline.
Comment: In summary, the available evidence is currently insufficient to determine the role of this variant in disease. Therefore, it has been classified as a Variant of Uncertain Significance. This variant is not present in population databases (gnomAD no frequency). This sequence change replaces glutamine, which is neutral and polar, with leucine, which is neutral and non-polar, at codon 127 of the RP1L1 protein (p.Gln127Leu). This variant has not been reported in the literature in individuals affected with RP1L1-related conditions. Advanced modeling of protein sequence and biophysical properties (such as structural, functional, and spatial information, amino acid conservation, physicochemical variation, residue mobility, and thermodynamic stability) performed at Invitae indicates that this missense variant is not expected to disrupt RP1L1 protein function.

NM_178857.6(RP1L1):c.380A>T (p.Gln127Leu)

Gene: RP1L1 (RP1 like 1). Cytogenetic location: 8p23.1.
Variant type: single nucleotide variant.
Coding change: c.380A>T on transcript NM_178857.6 (MANE Select); coding-DNA position 380, A replaced by T.
Protein change: p.Gln127Leu; replaces glutamine 127 with leucine.
Molecular consequence: missense variant.
Genome position (GRCh38, 1-based): chr8:10,622,822, T>A on the plus strand (A>T on the coding strand, the complement: RP1L1 is on the minus strand). VCF-style: chr8-10622822-T-A. GRCh37 (hg19) VCF-style: chr8-10480332-T-A.
Other names: short protein forms Q127L.
Identifiers: ClinVar variation 1471668 (VCV001471668.8), dbSNP rs1309991756, ClinGen allele CA370300347.